The following is an entry in ClinVar:

NM_001042492.3(NF1):c.7870-13T>A

Gene: NF1 (neurofibromin 1; plus strand). Cytogenetic location: 17q11.2.
Variant type: single nucleotide variant.
Coding change: c.7870-13T>A on transcript NM_001042492.3 (MANE Select); 13 bases into the intron before coding-DNA position 7870, T replaced by A.
Molecular consequence: intron variant.
Genome position (GRCh38, 1-based): chr17:31,357,256, T>A. VCF-style: chr17-31357256-T-A. GRCh37 (hg19) VCF-style: chr17-29684274-T-A.
Other names: c.7807-13T>A (NM_000267.4).
Identifiers: ClinVar variation 4818909 (VCV004818909.1).

ClinVar aggregate classification (germline): Uncertain significance (1 of 4 stars; one submission).

Submission:

GeneDx
Classification: Uncertain significance. Last evaluated: 2025-09-25. Review status: criteria provided, single submitter. Criteria: GeneDx Variant Classification Process June 2021. Collection method: clinical testing. Allele origin: germline. Affected: yes.
Comment: Not observed at significant frequency in large population cohorts (gnomAD); In silico analysis supports a deleterious effect on splicing; Has not been previously published as pathogenic or benign to our knowledge